The following is an entry in ClinVar:

NM_000254.3(MTR):c.2044-9C>G

Gene: MTR (5-methyltetrahydrofolate-homocysteine methyltransferase; plus strand). Cytogenetic location: 1q43.
Variant type: single nucleotide variant.
Coding change: c.2044-9C>G on transcript NM_000254.3 (MANE Select); 9 bases into the intron before coding-DNA position 2044, C replaced by G.
Molecular consequence: intron variant.
Genome position (GRCh38, 1-based): chr1:236,861,116, C>G. VCF-style: chr1-236861116-C-G. GRCh37 (hg19) VCF-style: chr1-237024416-C-G.
Other names: c.2044-1120C>G (NM_001291939.1); c.2044-9C>G (NM_001410942.1); c.823-9C>G (NM_001291940.2).
Identifiers: ClinVar variation 3058437 (VCV003058437.2), dbSNP rs531027742, ClinGen allele CA1013691283.

ClinVar aggregate classification (germline): Likely benign (0 of 4 stars; one submission).

Conditions:
MTR-related disorder. Also called: MTR-related condition.

Allele frequency attached by ClinVar (database versions not stated): gnomAD exomes 0.00455.

Submission:

PreventionGenetics, part of Exact Sciences
Classification: Likely benign for MTR-related condition. Last evaluated: 2021-09-16. Review status: no assertion criteria provided. Collection method: clinical testing. Allele origin: germline.
Comment: This variant is classified as likely benign based on ACMG/AMP sequence variant interpretation guidelines (Richards et al. 2015 PMID: 25741868, with internal and published modifications).